The following is an entry in ClinVar:

ClinVar aggregate classification (germline): Likely pathogenic (1 of 4 stars; one submission).

Conditions:
Charcot-Marie-Tooth disease axonal type 2S. Also called: CHARCOT-MARIE-TOOTH DISEASE, AXONAL, AUTOSOMAL RECESSIVE, TYPE 2S; CHARCOT-MARIE-TOOTH NEUROPATHY, TYPE 2S. Identifiers: Orphanet 443073, MedGen C4015349, MONDO:0014511, OMIM 616155.
Autosomal recessive distal spinal muscular atrophy 1. Also called: HMN VI; NEURONOPATHY, SEVERE INFANTILE AXONAL, WITH RESPIRATORY FAILURE; SEVERE INFANTILE AXONAL NEUROPATHY WITH RESPIRATORY FAILURE; SPINAL MUSCULAR ATROPHY, DIAPHRAGMATIC; Spinal muscular atrophy with respiratory distress 1; NEURONOPATHY, DISTAL HEREDITARY MOTOR, HARDING TYPE VI. Identifiers: Orphanet 98920, MedGen C1858517, MONDO:0011436, OMIM 604320.

Submission:

Labcorp Genetics (formerly Invitae), Labcorp
Classification: Likely pathogenic for Autosomal recessive distal spinal muscular atrophy 1; Charcot-Marie-Tooth disease axonal type 2S. Last evaluated: 2024-11-06. Review status: criteria provided, single submitter. Criteria: Invitae Variant Classification Sherloc (09022015). Collection method: clinical testing. Allele origin: germline.
Comment: This sequence change replaces aspartic acid, which is acidic and polar, with glycine, which is neutral and non-polar, at codon 565 of the IGHMBP2 protein (p.Asp565Gly). This variant is not present in population databases (gnomAD no frequency). This variant has not been reported in the literature in individuals affected with IGHMBP2-related conditions. Invitae Evidence Modeling of protein sequence and biophysical properties (such as structural, functional, and spatial information, amino acid conservation, physicochemical variation, residue mobility, and thermodynamic stability) indicates that this missense variant is expected to disrupt IGHMBP2 protein function with a positive predictive value of 95%. This variant disrupts the p.Asp565 amino acid residue in IGHMBP2. Other variant(s) that disrupt this residue have been determined to be pathogenic (PMID: 14681881, 15108294, 22157136). This suggests that this residue is clinically significant, and that variants that disrupt this residue are likely to be disease-causing. In summary, the currently available evidence indicates that the variant is pathogenic, but additional data are needed to prove that conclusively. Therefore, this variant has been classified as Likely Pathogenic.

Literature cited by the submitters: PubMed 14681881; PubMed 15108294; PubMed 22157136.

NM_002180.3(IGHMBP2):c.1694A>G (p.Asp565Gly)

Gene: IGHMBP2 (immunoglobulin mu DNA binding protein 2; plus strand). Cytogenetic location: 11q13.3.
Variant type: single nucleotide variant.
Coding change: c.1694A>G on transcript NM_002180.3 (MANE Select); coding-DNA position 1694, A replaced by G.
Protein change: p.Asp565Gly; replaces aspartic acid 565 with glycine.
Molecular consequence: missense variant.
Genome position (GRCh38, 1-based): chr11:68,935,360, A>G. VCF-style: chr11-68935360-A-G. GRCh37 (hg19) VCF-style: chr11-68702828-A-G.
Other names: short protein forms D565G.
Identifiers: ClinVar variation 3753753 (VCV003753753.2).